The following is an entry in ClinVar:

ClinVar aggregate classification (germline): Pathogenic (1 of 4 stars; one submission).

Conditions:
Polymicrogyria, perisylvian, with cerebellar hypoplasia and arthrogryposis (NEDSPLB). Identifiers: MedGen C4225295, MONDO:0014679, OMIM 616531.

Submission:

Baylor Genetics
Classification: Pathogenic for Polymicrogyria, perisylvian, with cerebellar hypoplasia and arthrogryposis. Last evaluated: 2018-12-07. Review status: criteria provided, single submitter. Criteria: ACMG Guidelines, 2015. Collection method: clinical testing. Allele origin: unknown. Affected: yes.
Comment: This variant was determined to be pathogenic according to ACMG Guidelines, 2015 [PMID:25741868].

NM_058004.4(PI4KA):c.3275C>A (p.Ser1092Ter)

Gene: PI4KA (phosphatidylinositol 4-kinase alpha; minus strand). Cytogenetic location: 22q11.21.
Variant type: single nucleotide variant.
Coding change: c.3275C>A on transcript NM_058004.4 (MANE Select); coding-DNA position 3275, C replaced by A.
Protein change: p.Ser1092Ter; replaces serine 1092 with a stop codon.
Molecular consequence: nonsense.
Genome position (GRCh38, 1-based): chr22:20,747,671, G>T on the plus strand (C>A on the coding strand, the complement: PI4KA is on the minus strand). VCF-style: chr22-20747671-G-T. GRCh37 (hg19) VCF-style: chr22-21101959-G-T.
Other names: c.3275C>A, p.Ser1092Ter (NM_001362862.2); c.3209C>A, p.Ser1070Ter (NM_001362863.2); short protein forms S1092*, S1070*.
Identifiers: ClinVar variation 1034208 (VCV001034208.1), dbSNP rs144933467, ClinGen allele CA410761678.